The following is an entry in ClinVar:

ClinVar aggregate classification (germline): Uncertain significance. Review status: criteria provided, multiple submitters, no conflicts (2 of 4 stars). 2 submissions from 2 submitters: Uncertain significance (2). Last evaluated 2025-07-20.

Conditions:
Hereditary cancer-predisposing syndrome. Also called: Tumor predisposition; Neoplastic Syndromes, Hereditary; Hereditary Cancer Syndrome; Hereditary neoplastic syndrome. Identifiers: Orphanet 140162, MedGen C0027672, MeSH D009386, MONDO:0015356.
Ataxia-telangiectasia syndrome (AT). Also called: Cerebello-oculocutaneous telangiectasia; Immunodeficiency with ataxia telangiectasia; Ataxia-telangiectasia, complementation group D; ATAXIA-TELANGIECTASIA, COMPLEMENTATION GROUP A; ATAXIA-TELANGIECTASIA, FRESNO VARIANT; Ataxia-telangiectasia. Identifiers: Orphanet 100, MedGen C0004135, MONDO:0008840, OMIM 208900.

Submissions (2):

Ambry Genetics
Classification: Uncertain significance for Hereditary cancer-predisposing syndrome. Last evaluated: 2025-07-20. Review status: criteria provided, single submitter. Criteria: Ambry Variant Classification Scheme 2023. Collection method: clinical testing. Allele origin: germline.
Comment: The p.F1445S variant (also known as c.4334T>C), located in coding exon 28 of the ATM gene, results from a T to C substitution at nucleotide position 4334. The phenylalanine at codon 1445 is replaced by serine, an amino acid with highly dissimilar properties. This amino acid position is conserved. In addition, this alteration is predicted to be deleterious by in silico analysis. Since supporting evidence is limited at this time, the clinical significance of this alteration remains unclear.

Labcorp Genetics (formerly Invitae), Labcorp
Classification: Uncertain significance for Ataxia-telangiectasia syndrome. Last evaluated: 2025-04-22. Review status: criteria provided, single submitter. Criteria: Invitae Variant Classification Sherloc (09022015). Collection method: clinical testing. Allele origin: germline.
Comment: This sequence change replaces phenylalanine, which is neutral and non-polar, with serine, which is neutral and polar, at codon 1445 of the ATM protein (p.Phe1445Ser). This variant is not present in population databases (gnomAD no frequency). This variant has not been reported in the literature in individuals affected with ATM-related conditions. ClinVar contains an entry for this variant (Variation ID: 2625005). Invitae Evidence Modeling of protein sequence and biophysical properties (such as structural, functional, and spatial information, amino acid conservation, physicochemical variation, residue mobility, and thermodynamic stability) indicates that this missense variant is expected to disrupt ATM protein function with a positive predictive value of 95%. In summary, the available evidence is currently insufficient to determine the role of this variant in disease. Therefore, it has been classified as a Variant of Uncertain Significance.

NM_000051.4(ATM):c.4334T>C (p.Phe1445Ser)

Gene: ATM (ATM serine/threonine kinase; plus strand). Cytogenetic location: 11q22.3.
Variant type: single nucleotide variant.
Coding change: c.4334T>C on transcript NM_000051.4 (MANE Select); coding-DNA position 4334, T replaced by C.
Protein change: p.Phe1445Ser; replaces phenylalanine 1445 with serine.
Molecular consequence: missense variant.
Genome position (GRCh38, 1-based): chr11:108,289,699, T>C. VCF-style: chr11-108289699-T-C. GRCh37 (hg19) VCF-style: chr11-108160426-T-C.
Other names: c.4334T>C, p.Phe1445Ser (NM_001351834.2); short protein forms F1445S.
Identifiers: ClinVar variation 2625005 (VCV002625005.6), dbSNP rs2135762536, ClinGen allele CA382531922.